The following is an entry in ClinVar:

ClinVar aggregate classification (germline): Uncertain significance. Review status: criteria provided, multiple submitters, no conflicts (2 of 4 stars). 4 submissions from 4 submitters: Uncertain significance (4). Last evaluated 2025-06-29.

Conditions:
Autosomal recessive nonsyndromic hearing loss 39. Identifiers: Orphanet 90636, MedGen C1842342, MONDO:0012003, OMIM 608265.

Allele frequency attached by ClinVar (database versions not stated): ExAC 0.00002; gnomAD 0.00004 and 0.00006; TOPMed 0.00006.
gnomAD v4.1: 67 of 1,613,834 alleles (0.0042%); highest among the groups gnomAD compares: African/African-American, 0.0093%; no homozygotes.

Submissions (4):

Labcorp Genetics (formerly Invitae), Labcorp
Classification: Uncertain significance. Last evaluated: 2025-06-29. Review status: criteria provided, single submitter. Criteria: Invitae Variant Classification Sherloc (09022015). Collection method: clinical testing. Allele origin: germline.
Comment: This sequence change replaces arginine, which is basic and polar, with tryptophan, which is neutral and slightly polar, at codon 242 of the HGF protein (p.Arg242Trp). This variant is present in population databases (rs202185530, gnomAD 0.008%). This variant has not been reported in the literature in individuals affected with HGF-related conditions. ClinVar contains an entry for this variant (Variation ID: 1392002). An algorithm developed to predict the effect of missense changes on protein structure and function (PolyPhen-2) suggests that this variant is likely to be disruptive. In summary, the available evidence is currently insufficient to determine the role of this variant in disease. Therefore, it has been classified as a Variant of Uncertain Significance.

Ambry Genetics
Classification: Uncertain significance. Last evaluated: 2024-09-02. Review status: criteria provided, single submitter. Criteria: Ambry Variant Classification Scheme 2023. Collection method: clinical testing. Allele origin: germline.

Clinical Genomics Laboratory, Washington University in St. Louis
Classification: Uncertain significance for Autosomal recessive nonsyndromic hearing loss 39. Last evaluated: 2024-04-10. Review status: criteria provided, single submitter. Criteria: ACMG Guidelines, 2015. Collection method: clinical testing. Allele origin: germline.
Comment: An HFG c.724C>T (p.Arg242Trp) variant was identified at a near heterozygous allelic fraction of 47.2%, a frequency which may be consistent with germline origin. This variant, to our knowledge, has not been reported in the medical literature but has been reported in the ClinVar database as a germline variant of uncertain significance by two submitters (ClinVar ID: 1392002). It is observed on 67/1,613,834 alleles in the general population (gnomAD v.4.0.0). Computational predictors are uncertain as to the impact of this variant on HGF function. Due to limited information, and based on ACMG/AMP guidelines for variant interpretation (Richards S et al., PMID: 25741868), the clinical significance of this variant is uncertain at this time.

Blueprint Genetics
Classification: Uncertain significance. Last evaluated: 2020-06-07. Review status: criteria provided, single submitter. Criteria: ACMG Guidelines, 2015. Collection method: clinical testing. Allele origin: germline.

NM_000601.6(HGF):c.724C>T (p.Arg242Trp)

Gene: HGF (hepatocyte growth factor; minus strand). Cytogenetic location: 7q21.11.
Variant type: single nucleotide variant.
Coding change: c.724C>T on transcript NM_000601.6 (MANE Select); coding-DNA position 724, C replaced by T.
Protein change: p.Arg242Trp; replaces arginine 242 with tryptophan.
Molecular consequence: missense variant.
Genome position (GRCh38, 1-based): chr7:81,745,022, G>A on the plus strand (C>T on the coding strand, the complement: HGF is on the minus strand). VCF-style: chr7-81745022-G-A. GRCh37 (hg19) VCF-style: chr7-81374338-G-A.
Other names: c.724C>T, p.Arg242Trp (NM_001010931.3); c.709C>T, p.Arg237Trp (NM_001010932.3, NM_001010933.3); c.724C>T (NM_000601.4); short protein forms R242W, R237W.
Identifiers: ClinVar variation 1392002 (VCV001392002.10), dbSNP rs202185530, ClinGen allele CA4317138.